The following is an entry in ClinVar:

NM_207122.2(EXT2):c.928C>T (p.Gln310Ter)

Gene: EXT2 (exostosin glycosyltransferase 2; plus strand). Cytogenetic location: 11p11.2.
Variant type: single nucleotide variant.
Coding change: c.928C>T on transcript NM_207122.2 (MANE Select); coding-DNA position 928, C replaced by T.
Protein change: p.Gln310Ter; replaces glutamine 310 with a stop codon.
Molecular consequence: nonsense.
Genome position (GRCh38, 1-based): chr11:44,124,973, C>T. VCF-style: chr11-44124973-C-T. GRCh37 (hg19) VCF-style: chr11-44146523-C-T.
Other names: c.1027C>T, p.Gln343Ter (NM_000401.3); c.928C>T, p.Gln310Ter (NM_001178083.3, NM_001389628.1, NM_001389630.1); short protein forms Q343*, Q310*.
Identifiers: ClinVar variation 534137 (VCV000534137.11), dbSNP rs1555005398, ClinGen allele CA380168704.

ClinVar aggregate classification (germline): Pathogenic/Likely pathogenic. Review status: criteria provided, multiple submitters, no conflicts (2 of 4 stars). 2 submissions from 2 submitters: Pathogenic (1); Likely pathogenic (1). Last evaluated 2024-01-10.

Conditions:
Exostoses, multiple, type 2 (EXT2). Also called: Hereditary Multiple Osteochondromatosis, Type II; EXOSTOSES, MULTIPLE, TYPE II. Identifiers: Orphanet 321, MedGen C1851413, MONDO:0007586, OMIM 133701.
EXT2-related disorders.

Submissions (2):

Blueprint Genetics
Classification: Likely pathogenic for EXT2-related disorders. Last evaluated: 2024-01-10. Review status: criteria provided, single submitter. Criteria: ACMG Guidelines, 2015. Collection method: clinical testing. Allele origin: germline. Affected: yes. Observed: 1 variant allele.

Labcorp Genetics (formerly Invitae), Labcorp
Classification: Pathogenic for Exostoses, multiple, type 2. Last evaluated: 2018-11-24. Review status: criteria provided, single submitter. Criteria: Invitae Variant Classification Sherloc (09022015). Collection method: clinical testing. Allele origin: germline.
Comment: This variant is not present in population databases (ExAC no frequency). This sequence change creates a premature translational stop signal (p.Gln310*) in the EXT2 gene. It is expected to result in an absent or disrupted protein product. For these reasons, this variant has been classified as Pathogenic. Loss-of-function variants in EXT2 are known to be pathogenic (PMID: 10679937, 19810120).

Literature cited by the submitters: PubMed 10679937 (cited by Labcorp Genetics (formerly Invitae), Labcorp); PubMed 19810120 (cited by Labcorp Genetics (formerly Invitae), Labcorp).